The following is an entry in ClinVar:

NM_005359.6(SMAD4):c.668-10G>A

Gene: SMAD4 (SMAD family member 4; plus strand). Cytogenetic location: 18q21.2.
Variant type: single nucleotide variant.
Coding change: c.668-10G>A on transcript NM_005359.6 (MANE Select); 10 bases into the intron before coding-DNA position 668, G replaced by A.
Molecular consequence: intron variant.
Genome position (GRCh38, 1-based): chr18:51,058,115, G>A. VCF-style: chr18-51058115-G-A. GRCh37 (hg19) VCF-style: chr18-48584485-G-A.
Identifiers: ClinVar variation 1630923 (VCV001630923.9), dbSNP rs753050193, ClinGen allele CA2573155410.
Genomic context (GRCh38, chr18:51,058,115, plus strand): 5'-TCATTTAGTATATGAAATCATAAGATGACATCTATGAATGTACCATGTTAATGTCTTCTT[G>A]TTCCTCTAGGTCAGCCTGCCAGTATACTGGGGGGCAGCCATAGTGAAGGACTGTTGCAGA-3'

ClinVar aggregate classification (germline): Likely benign. Review status: criteria provided, multiple submitters, no conflicts (2 of 4 stars). 2 submissions from 2 submitters: Likely benign (2). Last evaluated 2025-07-22.

Conditions:
Juvenile polyposis syndrome (JPS). Identifiers: Orphanet 2929, MedGen C0345893, MONDO:0017380, OMIM 174900.
Juvenile polyposis/hereditary hemorrhagic telangiectasia syndrome (JPHT). Also called: Juvenile Polyposis Syndrome / Hereditary Hemorrhagic Telangiectasia (JPS/HHT); JP/HHT SYNDROME; JUVENILE POLYPOSIS WITH HEREDITARY HEMORRHAGIC TELANGIECTASIA; POLYPOSIS, GENERALIZED JUVENILE, WITH PULMONARY ARTERIOVENOUS MALFORMATION; TELANGIECTASIA, HEREDITARY HEMORRHAGIC, WITH JUVENILE POLYPOSIS COLI. Identifiers: Orphanet 2929, MedGen C1832942, MONDO:0008278, OMIM 175050.

Submissions (2):

Labcorp Genetics (formerly Invitae), Labcorp
Classification: Likely benign for Juvenile polyposis syndrome. Last evaluated: 2025-07-22. Review status: criteria provided, single submitter. Criteria: Invitae Variant Classification Sherloc (09022015). Collection method: clinical testing. Allele origin: germline.

Myriad Genetics, Inc.
Classification: Likely benign for Juvenile polyposis/hereditary hemorrhagic telangiectasia syndrome. Last evaluated: 2025-03-19. Review status: criteria provided, single submitter. Criteria: Myriad Autosomal Dominant, Autosomal Recessive and X-Linked Classification Criteria (2023). Collection method: clinical testing. Allele origin: unknown.
Comment: This variant is considered likely benign. This variant is intronic and is not expected to impact mRNA splicing.